The following is an entry in ClinVar:

ClinVar aggregate classification (germline): Uncertain significance (1 of 4 stars; one submission).

Conditions:
Gorlin syndrome. Also called: Nevoid Basal Cell Carcinoma Syndrome; Basal cell nevus syndrome. Identifiers: Orphanet 377, MedGen C0004779, MONDO:0007187.
Medulloblastoma (MDB). Also called: MEDULLOBLASTOMA PREDISPOSITION SYNDROME; Medulloblastoma, somatic. Identifiers: Orphanet 616, MedGen C0025149, MeSH D008527, MONDO:0007959, OMIM 155255, HP:0002885.

Submission:

Labcorp Genetics (formerly Invitae), Labcorp
Classification: Uncertain significance for Gorlin syndrome; Medulloblastoma. Last evaluated: 2025-08-17. Review status: criteria provided, single submitter. Criteria: Invitae Variant Classification Sherloc (09022015). Collection method: clinical testing. Allele origin: germline.
Comment: This sequence change replaces serine, which is neutral and polar, with leucine, which is neutral and non-polar, at codon 210 of the SUFU protein (p.Ser210Leu). This variant is not present in population databases (gnomAD no frequency). This variant has not been reported in the literature in individuals affected with SUFU-related conditions. Invitae Evidence Modeling of protein sequence and biophysical properties (such as structural, functional, and spatial information, amino acid conservation, physicochemical variation, residue mobility, and thermodynamic stability) indicates that this missense variant is not expected to disrupt SUFU protein function with a negative predictive value of 80%. In summary, the available evidence is currently insufficient to determine the role of this variant in disease. Therefore, it has been classified as a Variant of Uncertain Significance.

NM_016169.4(SUFU):c.629C>T (p.Ser210Leu)

Gene: SUFU (SUFU negative regulator of hedgehog signaling; plus strand). Cytogenetic location: 10q24.32.
Variant type: single nucleotide variant.
Coding change: c.629C>T on transcript NM_016169.4 (MANE Select); coding-DNA position 629, C replaced by T.
Protein change: p.Ser210Leu; replaces serine 210 with leucine.
Molecular consequence: missense variant.
Genome position (GRCh38, 1-based): chr10:102,593,667, C>T. VCF-style: chr10-102593667-C-T. GRCh37 (hg19) VCF-style: chr10-104353424-C-T.
Other names: c.629C>T, p.Ser210Leu (NM_001178133.2); short protein forms S210L.
Identifiers: ClinVar variation 4793590 (VCV004793590.1).